The following is an entry in ClinVar:

NM_001375524.1(TRRAP):c.6922G>A (p.Val2308Ile)

Gene: TRRAP (transformation/transcription domain associated protein; plus strand). Cytogenetic location: 7q22.1.
Variant type: single nucleotide variant.
Coding change: c.6922G>A on transcript NM_001375524.1 (MANE Select); coding-DNA position 6922, G replaced by A.
Protein change: p.Val2308Ile; replaces valine 2308 with isoleucine.
Molecular consequence: missense variant.
Genome position (GRCh38, 1-based): chr7:98,964,721, G>A. VCF-style: chr7-98964721-G-A. GRCh37 (hg19) VCF-style: chr7-98562344-G-A.
Other names: c.6901G>A, p.Val2301Ile (NM_001244580.2); c.6847G>A, p.Val2283Ile (NM_003496.4); short protein forms V2301I, V2283I, V2308I.
Identifiers: ClinVar variation 2053479 (VCV002053479.13), dbSNP rs148382142, ClinGen allele CA4361003.

ClinVar aggregate classification (germline): Conflicting classifications of pathogenicity. Review status: criteria provided, conflicting classifications (1 of 4 stars). 4 submissions from 4 submitters: Uncertain significance (2); Likely benign (2). Last evaluated 2025-11-28.

Conditions:
Inborn genetic diseases. Identifiers: MedGen C0950123, MeSH D030342.

Allele frequency attached by ClinVar (database versions not stated): gnomAD 0.00010; gnomAD exomes 0.00010; ExAC 0.00011; 1000 Genomes Project 30x 0.00016; 1000 Genomes Project 0.00020; ESP Exome Variant Server 0.00038; TOPMed 0.00009.
gnomAD v4.1: 164 of 1,613,484 alleles (0.01%); highest among the groups gnomAD compares: Non-Finnish European, 0.013%; no homozygotes.

Submissions (4):

Labcorp Genetics (formerly Invitae), Labcorp
Classification: Uncertain significance. Last evaluated: 2025-11-28. Review status: criteria provided, single submitter. Criteria: Invitae Variant Classification Sherloc (09022015). Collection method: clinical testing. Allele origin: germline.
Comment: This sequence change replaces valine, which is neutral and non-polar, with isoleucine, which is neutral and non-polar, at codon 2283 of the TRRAP protein (p.Val2283Ile). This variant is present in population databases (rs148382142, gnomAD 0.02%). This variant has not been reported in the literature in individuals affected with TRRAP-related conditions. ClinVar contains an entry for this variant (Variation ID: 2053479). Invitae Evidence Modeling of protein sequence and biophysical properties (such as structural, functional, and spatial information, amino acid conservation, physicochemical variation, residue mobility, and thermodynamic stability) indicates that this missense variant is not expected to disrupt TRRAP protein function with a negative predictive value of 80%. In summary, the available evidence is currently insufficient to determine the role of this variant in disease. Therefore, it has been classified as a Variant of Uncertain Significance.

CeGaT Center for Human Genetics Tuebingen
Classification: Uncertain significance. Last evaluated: 2025-03-01. Review status: criteria provided, single submitter. Criteria: CeGaT Center For Human Genetics Tuebingen Variant Classification Criteria Version 2. Collection method: clinical testing. Allele origin: germline. Affected: yes. Observed: 1 variant allele.

Laboratory of Genetics, Children's Clinical University Hospital Latvia
Classification: Likely benign. Last evaluated: 2025-02-16. Review status: criteria provided, single submitter. Criteria: ACMG Guidelines, 2015. Collection method: clinical testing. Allele origin: germline. Affected: yes.

Ambry Genetics
Classification: Likely benign for Inborn genetic diseases. Last evaluated: 2022-01-21. Review status: criteria provided, single submitter. Criteria: Ambry Variant Classification Scheme 2023. Collection method: clinical testing. Allele origin: germline.